The following is an entry in ClinVar:

ClinVar aggregate classification (germline): Uncertain significance. Review status: criteria provided, single submitter (1 of 4 stars). 2 submissions from 2 submitters: Uncertain significance (1). 1 of the submissions does not count toward it. Last evaluated 2012-11-05.

Conditions:
Usher syndrome type 1F (USH1F). Also called: USHER SYNDROME, TYPE IF. Identifiers: Orphanet 231169, Orphanet 886, MedGen C1865885, MONDO:0011186, OMIM 602083.

Allele frequency attached by ClinVar (database versions not stated): gnomAD exomes below 0.00001 and 0.00001; TOPMed below 0.00001.
gnomAD v4.1: 2 of 1,613,970 alleles (0.00012%); highest among the groups gnomAD compares: Non-Finnish European, 0.00017%; no homozygotes.

Submissions (2):

Laboratory for Molecular Medicine, Mass General Brigham Personalized Medicine
Classification: Uncertain significance. Last evaluated: 2012-11-05. Review status: criteria provided, single submitter. Criteria: LMM Criteria. Collection method: clinical testing. Allele origin: germline. Observed: 1 variant allele.
Comment: The Asp813Glu variant in PCDH15 has not been reported in the literature nor prev iously identified by our laboratory. In addition, this variant has not been iden tified in large and broad European American or African American populations by t he NHLBI Exome Sequencing Project. Computati onal analyses (biochemical amino acid properties, conservation, AlignGVGD, PolyP hen2, and SIFT) do not provide strong support for or against an impact to the pr otein. In summary, additional information is needed to fully assess the clinical significance of the Asp813Glu variant.

Natera, Inc.
Classification: Uncertain significance for Usher syndrome type 1F. Last evaluated: 2020-09-16. Review status: no assertion criteria provided. Collection method: clinical testing. Allele origin: germline. Not counted in ClinVar's aggregate classification.

NM_001384140.1(PCDH15):c.2439T>A (p.Asp813Glu)

Gene: PCDH15 (protocadherin related 15; minus strand). Cytogenetic location: 10q21.1.
Variant type: single nucleotide variant.
Coding change: c.2439T>A on transcript NM_001384140.1 (MANE Select); coding-DNA position 2439, T replaced by A.
Protein change: p.Asp813Glu; replaces aspartic acid 813 with glutamic acid.
Molecular consequence: missense variant.
Genome position (GRCh38, 1-based): chr10:54,022,979, A>T on the plus strand (T>A on the coding strand, the complement: PCDH15 is on the minus strand). VCF-style: chr10-54022979-A-T. GRCh37 (hg19) VCF-style: chr10-55782739-A-T.
Other names: c.2454T>A, p.Asp818Glu (NM_001142763.2, NM_001142771.2); c.2439T>A, p.Asp813Glu (NM_001142764.2, NM_001142766.2, NM_001142770.3 and 5 more transcripts); c.2226T>A, p.Asp742Glu (NM_001142765.2); c.2328T>A, p.Asp776Glu (NM_001142767.2); c.2373T>A, p.Asp791Glu (NM_001142768.2, NM_001142773.2, NM_001354404.2); c.2475T>A, p.Asp825Glu (NM_001142769.4); c.2460T>A, p.Asp820Glu (NM_001354411.2); short protein forms D813E, D791E, D818E, D820E, D776E, D742E, D825E.
Identifiers: ClinVar variation 46451 (VCV000046451.6), dbSNP rs397517453, ClinGen allele CA138386.